The following is an entry in ClinVar:

ClinVar aggregate classification (germline): Uncertain significance (1 of 4 stars; one submission).

Conditions:
MN1-related disorder. Also called: MN1-related condition.

Submission:

PreventionGenetics, part of Exact Sciences
Classification: Uncertain significance for MN1-related condition. Last evaluated: 2026-02-11. Review status: criteria provided, single submitter. Criteria: ACMG Guidelines, 2015. Collection method: clinical testing. Allele origin: germline.
Comment: The MN1 c.836C>T variant is predicted to result in the amino acid substitution p.Ala279Val. To our knowledge, this variant has not been reported in the literature or in a large population database (gnomAD), indicating this variant is rare. At this time, the clinical significance of this variant is uncertain due to the absence of conclusive functional and genetic evidence.

NM_002430.3(MN1):c.836C>T (p.Ala279Val)

Gene: MN1 (MN1 proto-oncogene, transcriptional regulator; minus strand). Cytogenetic location: 22q12.1.
Variant type: single nucleotide variant.
Coding change: c.836C>T on transcript NM_002430.3 (MANE Select); coding-DNA position 836, C replaced by T.
Protein change: p.Ala279Val; replaces alanine 279 with valine.
Molecular consequence: missense variant.
Genome position (GRCh38, 1-based): chr22:27,799,708, G>A on the plus strand (C>T on the coding strand, the complement: MN1 is on the minus strand). VCF-style: chr22-27799708-G-A. GRCh37 (hg19) VCF-style: chr22-28195696-G-A.
Other names: short protein forms A279V.
Identifiers: ClinVar variation 4979823 (VCV004979823.1).